The following is an entry in ClinVar:

ClinVar aggregate classification (germline): Uncertain significance (1 of 4 stars; one submission).

Submission:

GeneDx
Classification: Uncertain significance. Last evaluated: 2024-10-07. Review status: criteria provided, single submitter. Criteria: GeneDx Variant Classification Process June 2021. Collection method: clinical testing. Allele origin: germline. Affected: yes.
Comment: Has not been previously published as pathogenic or benign to our knowledge; Not observed at significant frequency in large population cohorts (gnomAD); In silico analysis supports that this missense variant has a deleterious effect on protein structure/function

NM_053025.4(MYLK):c.632A>G (p.Glu211Gly)

Gene: MYLK (myosin light chain kinase; minus strand). Cytogenetic location: 3q21.1.
Variant type: single nucleotide variant.
Coding change: c.632A>G on transcript NM_053025.4 (MANE Select); coding-DNA position 632, A replaced by G.
Protein change: p.Glu211Gly; replaces glutamic acid 211 with glycine.
Molecular consequence: missense variant.
Genome position (GRCh38, 1-based): chr3:123,737,500, T>C on the plus strand (A>G on the coding strand, the complement: MYLK is on the minus strand). VCF-style: chr3-123737500-T-C. GRCh37 (hg19) VCF-style: chr3-123456347-T-C.
Other names: c.104A>G, p.Glu35Gly (NM_001321309.2); c.632A>G, p.Glu211Gly (NM_053026.4, NM_053027.4, NM_053028.4); short protein forms E211G, E35G.
Identifiers: ClinVar variation 3776313 (VCV003776313.1).